The following is an entry in ClinVar:

NM_001257190.3(POM121):c.2999G>C (p.Ter1000Ser)

Gene: POM121 (POM121 transmembrane nucleoporin; plus strand). Cytogenetic location: 7q11.23.
Variant type: single nucleotide variant.
Coding change: c.2999G>C on transcript NM_001257190.3; coding-DNA position 2999, G replaced by C.
Protein change: p.Ter1000Ser.
Molecular consequence: stop lost. On other transcripts: non-coding transcript variant (1).
Genome position (GRCh38, 1-based): chr7:72,948,469, G>C. VCF-style: chr7-72948469-G-C. GRCh37 (hg19) VCF-style: chr7-72419008-G-C.
Other names: *1000S.
Identifiers: ClinVar variation 728533 (VCV000728533.25), dbSNP rs17145837, ClinGen allele CA4284094.

ClinVar aggregate classification (germline): Benign/Likely benign. Review status: criteria provided, multiple submitters, no conflicts (2 of 4 stars). 2 submissions from 2 submitters: Benign (1); Likely benign (1). Last evaluated 2025-05-01.

Allele frequency attached by ClinVar (database versions not stated): ESP Exome Variant Server 0.00246; TOPMed 0.00294; 1000 Genomes Project 30x 0.00344; gnomAD 0.00522 and 0.00810; ExAC 0.00505; gnomAD exomes 0.00560 and 0.00564; 1000 Genomes Project 0.00280.
gnomAD v4.1: 8,927 of 1,613,416 alleles (0.55%); highest among the groups gnomAD compares: Non-Finnish European, 0.52%; 100 homozygotes.

Submissions (2):

CeGaT Center for Human Genetics Tuebingen
Classification: Likely benign. Last evaluated: 2025-05-01. Review status: criteria provided, single submitter. Criteria: CeGaT Center For Human Genetics Tuebingen Variant Classification Criteria Version 2. Collection method: clinical testing. Allele origin: germline. Affected: yes. Observed: 3 variant alleles.
Comment: NSUN5P2: BS2; POM121: PM4, BS2

Labcorp Genetics (formerly Invitae), Labcorp
Classification: Benign. Last evaluated: 2019-12-31. Review status: criteria provided, single submitter. Criteria: Invitae Variant Classification Sherloc (09022015). Collection method: clinical testing. Allele origin: germline.